The following is an entry in ClinVar:

ClinVar aggregate classification (germline): Conflicting classifications of pathogenicity. Review status: criteria provided, conflicting classifications (1 of 4 stars). 2 submissions from 2 submitters: Likely pathogenic (1); Uncertain significance (1). Last evaluated 2023-10-06.

Conditions:
KAT6B-related disorder. Also called: KAT6B-related disorders; KAT6B-related condition.

Submissions (2):

GeneDx
Classification: Uncertain significance. Last evaluated: 2023-10-06. Review status: criteria provided, single submitter. Criteria: GeneDx Variant Classification Process June 2021. Collection method: clinical testing. Allele origin: germline. Affected: yes.
Comment: Nonsense variant predicted to result in protein truncation or nonsense mediated decay in a gene for which loss of function is a known mechanism of disease; Has not been previously published as pathogenic or benign to our knowledge

Blueprint Genetics
Classification: Likely pathogenic for KAT6B-related disorders. Last evaluated: 2021-07-20. Review status: criteria provided, single submitter. Criteria: ACMG Guidelines, 2015. Collection method: clinical testing. Allele origin: germline. Affected: yes. Observed: 1 variant allele.

NM_012330.4(KAT6B):c.1006C>T (p.Arg336Ter)

Gene: KAT6B (lysine acetyltransferase 6B; plus strand). Cytogenetic location: 10q22.2.
Variant type: single nucleotide variant.
Coding change: c.1006C>T on transcript NM_012330.4 (MANE Select); coding-DNA position 1006, C replaced by T.
Protein change: p.Arg336Ter; replaces arginine 336 with a stop codon.
Molecular consequence: nonsense. On other transcripts: intron variant (5).
Genome position (GRCh38, 1-based): chr10:74,972,584, C>T. VCF-style: chr10-74972584-C-T. GRCh37 (hg19) VCF-style: chr10-76732342-C-T.
Other names: c.1006C>T, p.Arg336Ter (NM_001256468.2, NM_001256469.2, NM_001370132.1 and 7 more transcripts); c.846+2809C>T (NM_001370133.1); c.193-6640C>T (NM_001370134.1); c.928+2483C>T (NM_001370143.1, NM_001370144.1); c.192+12506C>T (NM_001370135.1); short protein forms R336*.
Identifiers: ClinVar variation 3340991 (VCV003340991.2).